The following is an entry in ClinVar:

ClinVar aggregate classification (germline): Uncertain significance. Review status: criteria provided, multiple submitters, no conflicts (2 of 4 stars). 2 submissions from 2 submitters: Uncertain significance (2). Last evaluated 2025-05-05.

Allele frequency attached by ClinVar (database versions not stated): ExAC 0.00001; gnomAD exomes 0.00001.
gnomAD v4.1: 14 of 1,515,020 alleles (0.00092%); highest among the groups gnomAD compares: Middle Eastern, 0.035%; no homozygotes.

Submissions (2):

Labcorp Genetics (formerly Invitae), Labcorp
Classification: Uncertain significance. Last evaluated: 2025-05-05. Review status: criteria provided, single submitter. Criteria: Invitae Variant Classification Sherloc (09022015). Collection method: clinical testing. Allele origin: germline.
Comment: This sequence change replaces aspartic acid, which is acidic and polar, with asparagine, which is neutral and polar, at codon 446 of the TBCK protein (p.Asp446Asn). This variant is present in population databases (rs747743755, gnomAD 0.02%). This variant has not been reported in the literature in individuals affected with TBCK-related conditions. ClinVar contains an entry for this variant (Variation ID: 2507068). Invitae Evidence Modeling of protein sequence and biophysical properties (such as structural, functional, and spatial information, amino acid conservation, physicochemical variation, residue mobility, and thermodynamic stability) indicates that this missense variant is not expected to disrupt TBCK protein function with a negative predictive value of 80%. In summary, the available evidence is currently insufficient to determine the role of this variant in disease. Therefore, it has been classified as a Variant of Uncertain Significance.

GeneDx
Classification: Uncertain significance. Last evaluated: 2024-02-27. Review status: criteria provided, single submitter. Criteria: GeneDx Variant Classification Process June 2021. Collection method: clinical testing. Allele origin: germline. Affected: yes.
Comment: In silico analysis supports that this missense variant does not alter protein structure/function; Has not been previously published as pathogenic or benign to our knowledge

NM_001163435.3(TBCK):c.1336G>A (p.Asp446Asn)

Gene: TBCK (TBC1 domain containing kinase; minus strand). Cytogenetic location: 4q24.
Variant type: single nucleotide variant.
Coding change: c.1336G>A on transcript NM_001163435.3 (MANE Select); coding-DNA position 1336, G replaced by A.
Protein change: p.Asp446Asn; replaces aspartic acid 446 with asparagine.
Molecular consequence: missense variant.
Genome position (GRCh38, 1-based): chr4:106,236,404, C>T on the plus strand (G>A on the coding strand, the complement: TBCK is on the minus strand). VCF-style: chr4-106236404-C-T. GRCh37 (hg19) VCF-style: chr4-107157561-C-T.
Other names: c.1336G>A, p.Asp446Asn (NM_001163436.4); c.1219G>A, p.Asp407Asn (NM_001163437.3); c.820G>A, p.Asp274Asn (NM_001290768.2); c.1147G>A, p.Asp383Asn (NM_033115.5); short protein forms D274N, D383N, D407N, D446N.
Identifiers: ClinVar variation 2507068 (VCV002507068.3), dbSNP rs747743755, ClinGen allele CA3035113.